The following is an entry in ClinVar:

ClinVar aggregate classification (germline): Likely benign. Review status: criteria provided, single submitter (1 of 4 stars). 2 submissions from 2 submitters: Likely benign (1). 1 of the submissions does not count toward it. Last evaluated 2024-11-20.

Conditions:
WDFY3-related disorder.

Allele frequency attached by ClinVar (database versions not stated): gnomAD exomes 0.00042; gnomAD 0.00052; TOPMed 0.00088; 1000 Genomes Project 30x 0.00172; 1000 Genomes Project 0.00200.
gnomAD v4.1: 740 of 1,613,858 alleles (0.046%); highest among the groups gnomAD compares: East Asian, 1.2%; 6 homozygotes.

Submissions (2):

Blueprint Genetics
Classification: Likely benign. Last evaluated: 2024-11-20. Review status: criteria provided, single submitter. Criteria: ACMG Guidelines, 2015. Collection method: clinical testing. Allele origin: germline.

PreventionGenetics, part of Exact Sciences
Classification: Benign for WDFY3-related condition. Last evaluated: 2021-11-04. Review status: no assertion criteria provided. Collection method: clinical testing. Allele origin: germline. Not counted in ClinVar's aggregate classification.
Comment: This variant is classified as benign based on ACMG/AMP sequence variant interpretation guidelines (Richards et al. 2015 PMID: 25741868, with internal and published modifications).

NM_014991.6(WDFY3):c.8505G>A (p.Ala2835=)

Gene: WDFY3 (WD repeat and FYVE domain containing 3; minus strand). Cytogenetic location: 4q21.23.
Variant type: single nucleotide variant.
Coding change: c.8505G>A on transcript NM_014991.6 (MANE Select); coding-DNA position 8505, G replaced by A.
Protein change: p.Ala2835=; no amino-acid change (alanine 2835 retained).
Molecular consequence: synonymous variant.
Genome position (GRCh38, 1-based): chr4:84,702,444, C>T on the plus strand (G>A on the coding strand, the complement: WDFY3 is on the minus strand). VCF-style: chr4-84702444-C-T. GRCh37 (hg19) VCF-style: chr4-85623597-C-T.
Identifiers: ClinVar variation 3048213 (VCV003048213.3), dbSNP rs187717198, ClinGen allele CA2992366.